The following is an entry in ClinVar:

NM_001330078.2(NRXN1):c.3838G>T (p.Ala1280Ser)

Gene: NRXN1 (neurexin 1; minus strand). Cytogenetic location: 2p16.3.
Variant type: single nucleotide variant.
Coding change: c.3838G>T on transcript NM_001330078.2 (MANE Select); coding-DNA position 3838, G replaced by T.
Protein change: p.Ala1280Ser; replaces alanine 1280 with serine.
Molecular consequence: missense variant.
Genome position (GRCh38, 1-based): chr2:50,053,561, C>A on the plus strand (G>T on the coding strand, the complement: NRXN1 is on the minus strand). VCF-style: chr2-50053561-C-A. GRCh37 (hg19) VCF-style: chr2-50280699-C-A.
Other names: c.3958G>T, p.Ala1320Ser (NM_001135659.3); c.3814G>T, p.Ala1272Ser (NM_001330077.2, NM_001330082.2); c.3682G>T, p.Ala1228Ser (NM_001330083.2); c.3772G>T, p.Ala1258Ser (NM_001330084.2); c.3811G>T, p.Ala1271Ser (NM_001330085.2); c.3838G>T, p.Ala1280Ser (NM_001330086.2); c.3637G>T, p.Ala1213Ser (NM_001330087.2, NM_001330096.2); c.3667G>T, p.Ala1223Ser (NM_001330088.2); and 6 more; short protein forms A1233S, A1258S, A1271S, A1213S, A1272S, A1280S, A1320S, A215S.
Identifiers: ClinVar variation 2157451 (VCV002157451.5), dbSNP rs758023224, ClinGen allele CA1654340.
Genomic context (GRCh38, chr2:50,053,561, plus strand): 5'-GCCCAGAGAGCTGGCCCTGGAAGGGCTGGCCCTGCTCTTTCCCGCCAATTATTATGGTTG[C>A]TTGGCTATTGAAGATTGTGAGCTGACGCCCTGTAAAAATAATATTACATACATGCAAAAA-3'
Protein context (NP_001317007.1, residues 1270-1290): GRQLTIFNSQ[Ala1280Ser]TIIIGGKEQG

ClinVar aggregate classification (germline): Uncertain significance. Review status: criteria provided, multiple submitters, no conflicts (2 of 4 stars). 2 submissions from 2 submitters: Uncertain significance (2). Last evaluated 2025-09-03.

Conditions:
Pitt-Hopkins-like syndrome 2 (PTHSL2). Identifiers: Orphanet 221150, Orphanet 600663, MedGen C3280479, MONDO:0013690, OMIM 614325.

Allele frequency attached by ClinVar (database versions not stated): TOPMed below 0.00001; gnomAD 0.00001.
gnomAD v4.1: 6 of 1,613,904 alleles (0.00037%); highest among the groups gnomAD compares: Non-Finnish European, 0.00042%; no homozygotes.

Submissions (2):

Labcorp Genetics (formerly Invitae), Labcorp
Classification: Uncertain significance for Pitt-Hopkins-like syndrome 2. Last evaluated: 2025-09-03. Review status: criteria provided, single submitter. Criteria: Invitae Variant Classification Sherloc (09022015). Collection method: clinical testing. Allele origin: germline.
Comment: This sequence change replaces alanine, which is neutral and non-polar, with serine, which is neutral and polar, at codon 1320 of the NRXN1 protein (p.Ala1320Ser). This variant is present in population databases (rs758023224, gnomAD 0.002%). This variant has not been reported in the literature in individuals affected with NRXN1-related conditions. ClinVar contains an entry for this variant (Variation ID: 2157451). Invitae Evidence Modeling of protein sequence and biophysical properties (such as structural, functional, and spatial information, amino acid conservation, physicochemical variation, residue mobility, and thermodynamic stability) indicates that this missense variant is not expected to disrupt NRXN1 protein function with a negative predictive value of 80%. In summary, the available evidence is currently insufficient to determine the role of this variant in disease. Therefore, it has been classified as a Variant of Uncertain Significance.

Blueprint Genetics
Classification: Uncertain significance. Last evaluated: 2020-04-07. Review status: criteria provided, single submitter. Criteria: ACMG Guidelines, 2015. Collection method: clinical testing. Allele origin: germline.